The following is an entry in ClinVar:

ClinVar aggregate classification (germline): Likely pathogenic. Review status: criteria provided, single submitter (1 of 4 stars). 2 submissions from 2 submitters: Likely pathogenic (1). 1 of the submissions does not count toward it. Last evaluated 2019-02-19.

Conditions:
Snijders Blok-Campeau syndrome. Also called: INTELLECTUAL DEVELOPMENTAL DISORDER WITH MACROCEPHALY, SPEECH DELAY, AND DYSMORPHIC FACIES. Identifiers: Orphanet 599082, MedGen C4748701, MONDO:0032600, OMIM 618205.
Intellectual disability. Also called: Intellectual functioning disability; intellectual disabilities; Intellectual developmental disorder. Identifiers: MedGen C3714756, MeSH D008607, MONDO:0001071, HP:0001249.

Allele frequency attached by ClinVar (database versions not stated): gnomAD exomes below 0.00001.
gnomAD v4.1: 1 of 1,614,104 alleles (0.000062%); no homozygotes.

Submissions (2):

SIB Swiss Institute of Bioinformatics
Classification: Likely pathogenic for Snijders Blok-Campeau syndrome. Last evaluated: 2019-02-19. Review status: criteria provided, single submitter. Criteria: ACMG Guidelines, 2015. Collection method: curation. Allele origin: unknown.
Comment: This variant is interpreted as a Likely pathogenic for Snijders Blok-Campeau syndrome, autosomal dominant. The following ACMG Tag(s) were applied: PM2 : Absent from controls (or at extremely low frequency if recessive) in Exome Sequencing Project, 1000 Genomes Project, or Exome Aggregation Consortium. PM6 : Assumed de novo, but without confirmation of paternity and maternity (PMID:30397230). PM1-supporting : PM1 downgraded in strength to Supporting. PP2 : Missense variant in a gene that has a low rate of benign missense variation and in which missense variants are a common mechanism of disease. PP3 : Multiple lines of computational evidence support a deleterious effect on the gene or gene product.

CHU Sainte-Justine Research Center, University of Montreal
Classification: Likely pathogenic for Intellectual disability. Last evaluated: 2018-05-03. Review status: no assertion criteria provided. Collection method: research. Allele origin: germline. Affected: yes. Not counted in ClinVar's aggregate classification.

Literature cited by the submitters: PubMed 30397230 (cited by SIB Swiss Institute of Bioinformatics).

NM_001005273.3(CHD3):c.3407C>T (p.Thr1136Ile)

Gene: CHD3 (chromodomain helicase DNA binding protein 3; plus strand). Cytogenetic location: 17p13.1.
Variant type: single nucleotide variant.
Coding change: c.3407C>T on transcript NM_001005273.3 (MANE Select); coding-DNA position 3407, C replaced by T.
Protein change: p.Thr1136Ile; replaces threonine 1136 with isoleucine.
Molecular consequence: missense variant.
Genome position (GRCh38, 1-based): chr17:7,902,973, C>T. VCF-style: chr17-7902973-C-T. GRCh37 (hg19) VCF-style: chr17-7806291-C-T.
Other names: c.3584C>T, p.Thr1195Ile (NM_001005271.3); c.3407C>T, p.Thr1136Ile (NM_005852.4); short protein forms T1136I, T1195I.
Identifiers: ClinVar variation 549737 (VCV000549737.2), dbSNP rs1567860640, ClinGen allele CA397941817.